The following is an entry in ClinVar:

NM_000321.3(RB1):c.2212A>G (p.Thr738Ala)

Gene: RB1 (RB transcriptional corepressor 1; plus strand). Cytogenetic location: 13q14.2.
Variant type: single nucleotide variant.
Coding change: c.2212A>G on transcript NM_000321.3 (MANE Select); coding-DNA position 2212, A replaced by G.
Protein change: p.Thr738Ala; replaces threonine 738 with alanine.
Molecular consequence: missense variant.
Genome position (GRCh38, 1-based): chr13:48,464,998, A>G. VCF-style: chr13-48464998-A-G. GRCh37 (hg19) VCF-style: chr13-49039134-A-G.
Other names: c.2212A>G, p.Thr738Ala (NM_001407165.1); short protein forms T738A.
Identifiers: ClinVar variation 3430839 (VCV003430839.2).

ClinVar aggregate classification (germline): Uncertain significance (1 of 4 stars; one submission).

Conditions:
Hereditary cancer-predisposing syndrome. Also called: Tumor predisposition; Hereditary Cancer Syndrome; Hereditary neoplastic syndrome; Neoplastic Syndromes, Hereditary. Identifiers: Orphanet 140162, MedGen C0027672, MeSH D009386, MONDO:0015356.

gnomAD v4.1: 1 of 1,458,272 alleles (0.000069%); highest among the groups gnomAD compares: Non-Finnish European, 0.000094%; no homozygotes.

Submission:

Ambry Genetics
Classification: Uncertain significance for Hereditary cancer-predisposing syndrome. Last evaluated: 2026-08-07. Review status: criteria provided, single submitter. Criteria: Ambry Variant Classification Scheme 2023. Collection method: clinical testing. Allele origin: germline.
Comment: The p.T738A variant (also known as c.2212A>G) is located in coding exon 22 of the RB1 gene. The threonine at codon 738 is replaced by alanine, an amino acid with similar properties. This change occurs in the first base pair of coding exon 22. This amino acid position is highly conserved in available vertebrate species. In addition, this alteration is predicted to be deleterious by in silico analysis. Based on the available evidence, the clinical significance of this variant remains unclear.